The following is an entry in ClinVar:

NM_006796.3(AFG3L2):c.1976C>T (p.Ala659Val)

Gene: AFG3L2 (AFG3 like matrix AAA peptidase subunit 2; minus strand). Cytogenetic location: 18p11.21.
Variant type: single nucleotide variant.
Coding change: c.1976C>T on transcript NM_006796.3 (MANE Select); coding-DNA position 1976, C replaced by T.
Protein change: p.Ala659Val; replaces alanine 659 with valine.
Molecular consequence: missense variant.
Genome position (GRCh38, 1-based): chr18:12,340,205, G>A on the plus strand (C>T on the coding strand, the complement: AFG3L2 is on the minus strand). VCF-style: chr18-12340205-G-A. GRCh37 (hg19) VCF-style: chr18-12340204-G-A.
Other names: short protein forms A659V.
Identifiers: ClinVar variation 424115 (VCV000424115.4), dbSNP rs1064796804, ClinGen allele CA16620661.

ClinVar aggregate classification (germline): Likely pathogenic (1 of 4 stars; one submission).

Submission:

GeneDx
Classification: Likely pathogenic. Last evaluated: 2025-04-09. Review status: criteria provided, single submitter. Criteria: GeneDx Variant Classification Process June 2021. Collection method: clinical testing. Allele origin: germline. Affected: yes.
Comment: Has not been previously published as pathogenic or benign to our knowledge; In silico analysis supports that this missense variant has a deleterious effect on protein structure/function; Not observed at significant frequency in large population cohorts (gnomAD)